The following is an entry in ClinVar:

ClinVar aggregate classification (germline): Uncertain significance (1 of 4 stars; one submission).

Conditions:
Severe combined immunodeficiency due to DNA-PKcs deficiency. Also called: IMMUNODEFICIENCY 26 WITH NEUROLOGIC ABNORMALITIES; Immunodeficiency 26 with or without neurologic abnormalities. Identifiers: Orphanet 317425, MedGen C4014833, MONDO:0014423, OMIM 615966.

Allele frequency attached by ClinVar (database versions not stated): gnomAD exomes below 0.00001; TOPMed below 0.00001.
gnomAD v4.1: 2 of 1,613,934 alleles (0.00012%); highest among the groups gnomAD compares: Admixed American, 0.0017%; no homozygotes.

Submission:

Labcorp Genetics (formerly Invitae), Labcorp
Classification: Uncertain significance for Severe combined immunodeficiency due to DNA-PKcs deficiency. Last evaluated: 2024-10-28. Review status: criteria provided, single submitter. Criteria: Invitae Variant Classification Sherloc (09022015). Collection method: clinical testing. Allele origin: germline.
Comment: This sequence change replaces lysine, which is basic and polar, with isoleucine, which is neutral and non-polar, at codon 2752 of the PRKDC protein (p.Lys2752Ile). This variant is present in population databases (no rsID available, gnomAD 0.003%). This variant has not been reported in the literature in individuals affected with PRKDC-related conditions. ClinVar contains an entry for this variant (Variation ID: 1371295). Invitae Evidence Modeling of protein sequence and biophysical properties (such as structural, functional, and spatial information, amino acid conservation, physicochemical variation, residue mobility, and thermodynamic stability) indicates that this missense variant is expected to disrupt PRKDC protein function with a positive predictive value of 80%. In summary, the available evidence is currently insufficient to determine the role of this variant in disease. Therefore, it has been classified as a Variant of Uncertain Significance.

NM_006904.7(PRKDC):c.8255A>T (p.Lys2752Ile)

Gene: PRKDC (protein kinase, DNA-activated, catalytic subunit; minus strand). Cytogenetic location: 8q11.21.
Variant type: single nucleotide variant.
Coding change: c.8255A>T on transcript NM_006904.7 (MANE Select); coding-DNA position 8255, A replaced by T.
Protein change: p.Lys2752Ile; replaces lysine 2752 with isoleucine.
Molecular consequence: missense variant.
Genome position (GRCh38, 1-based): chr8:47,831,824, T>A on the plus strand (A>T on the coding strand, the complement: PRKDC is on the minus strand). VCF-style: chr8-47831824-T-A. GRCh37 (hg19) VCF-style: chr8-48744385-T-A.
Other names: c.8255A>T, p.Lys2752Ile (NM_001081640.2); short protein forms K2752I.
Identifiers: ClinVar variation 1371295 (VCV001371295.6), dbSNP rs1406581738, ClinGen allele CA371147551.
Genomic context (GRCh38, chr8:47,831,824, plus strand): 5'-CTGTGACAGAAACTGCATCGTTCTGATCAAATTCTTGACAAGATACAAACCTTCTCTCGT[T>A]TTTGCTCAGCAACGCCTTTTCTGGCATACATCAAACTGAGCTTCTCCTGGTCCCTCATAA-3'
Protein context (NP_008835.5, residues 2742-2762): MYARKGVAEQ[Lys2752Ile]REKEIKSELK